The following is an entry in ClinVar:

NM_003482.4(KMT2D):c.15004C>T (p.Arg5002Trp)

Gene: KMT2D (lysine methyltransferase 2D; minus strand). Cytogenetic location: 12q13.12.
Variant type: single nucleotide variant.
Coding change: c.15004C>T on transcript NM_003482.4 (MANE Select); coding-DNA position 15004, C replaced by T.
Protein change: p.Arg5002Trp; replaces arginine 5002 with tryptophan.
Molecular consequence: missense variant.
Genome position (GRCh38, 1-based): chr12:49,026,962, G>A on the plus strand (C>T on the coding strand, the complement: KMT2D is on the minus strand). VCF-style: chr12-49026962-G-A. GRCh37 (hg19) VCF-style: chr12-49420745-G-A.
Other names: short protein forms R5002W.
Identifiers: ClinVar variation 1038099 (VCV001038099.12), dbSNP rs768594066, ClinGen allele CA6545620.

ClinVar aggregate classification (germline): Benign/Likely benign. Review status: criteria provided, multiple submitters, no conflicts (2 of 4 stars). 2 submissions from 2 submitters: Benign (1); Likely benign (1). Last evaluated 2026-02-01.

Conditions:
Kabuki syndrome. Also called: Kabuki make-up syndrome; NIIKAWA-KUROKI SYNDROME. Identifiers: Orphanet 2322, MedGen C0796004, MONDO:0016512.

Allele frequency attached by ClinVar (database versions not stated): gnomAD exomes 0.00001 and 0.00003; TOPMed 0.00005; ExAC 0.00006.
gnomAD v4.1: 19 of 1,613,864 alleles (0.0012%); highest among the groups gnomAD compares: African/African-American, 0.008%; no homozygotes.

Submissions (2):

CeGaT Center for Human Genetics Tuebingen
Classification: Likely benign. Last evaluated: 2026-02-01. Review status: criteria provided, single submitter. Criteria: CeGaT Center For Human Genetics Tuebingen Variant Classification Criteria Version 2. Collection method: clinical testing. Allele origin: germline. Affected: yes. Observed: 1 variant allele.
Comment: KMT2D: BP4

Labcorp Genetics (formerly Invitae), Labcorp
Classification: Benign for Kabuki syndrome. Last evaluated: 2026-01-14. Review status: criteria provided, single submitter. Criteria: Invitae Variant Classification Sherloc (09022015). Collection method: clinical testing. Allele origin: germline.